The following is an entry in ClinVar:

ClinVar aggregate classification (germline): Uncertain significance. Review status: criteria provided, multiple submitters, no conflicts (2 of 4 stars). 3 submissions from 3 submitters: Uncertain significance (3). Last evaluated 2024-06-11.

Conditions:
Intestinal hypomagnesemia 1. Also called: HYPOMAGNESEMIA, INTESTINAL, WITH SECONDARY HYPOCALCEMIA; HYPOMAGNESEMIC TETANY. Identifiers: Orphanet 30924, MedGen C1865974, MONDO:0011176, OMIM 602014.

Allele frequency attached by ClinVar (database versions not stated): gnomAD exomes 0.00009; ExAC 0.00011; 1000 Genomes Project 0.00020; 1000 Genomes Project 30x 0.00031; ESP Exome Variant Server 0.00038; gnomAD 0.00039 and 0.00041; TOPMed 0.00045.
gnomAD v4.1: 90 of 1,614,082 alleles (0.0056%); highest among the groups gnomAD compares: African/African-American, 0.11%; no homozygotes.

Submissions (3):

Fulgent Genetics
Classification: Uncertain significance for Intestinal hypomagnesemia 1. Last evaluated: 2024-06-11. Review status: criteria provided, single submitter. Criteria: ACMG Guidelines, 2015. Collection method: clinical testing. Allele origin: germline.

Labcorp Genetics (formerly Invitae), Labcorp
Classification: Uncertain significance. Last evaluated: 2023-04-24. Review status: criteria provided, single submitter. Criteria: Invitae Variant Classification Sherloc (09022015). Collection method: clinical testing. Allele origin: germline.
Comment: In summary, the available evidence is currently insufficient to determine the role of this variant in disease. Therefore, it has been classified as a Variant of Uncertain Significance. Advanced modeling of protein sequence and biophysical properties (such as structural, functional, and spatial information, amino acid conservation, physicochemical variation, residue mobility, and thermodynamic stability) performed at Invitae indicates that this missense variant is not expected to disrupt TRPM6 protein function. ClinVar contains an entry for this variant (Variation ID: 1033855). This variant has not been reported in the literature in individuals affected with TRPM6-related conditions. This variant is present in population databases (rs143440493, gnomAD 0.1%). This sequence change replaces glutamine, which is neutral and polar, with histidine, which is basic and polar, at codon 367 of the TRPM6 protein (p.Gln367His).

Baylor Genetics
Classification: Uncertain significance for Intestinal hypomagnesemia 1. Last evaluated: 2018-04-13. Review status: criteria provided, single submitter. Criteria: ACMG Guidelines, 2015. Collection method: clinical testing. Allele origin: unknown. Affected: yes.
Comment: This variant was determined to be of uncertain significance according to ACMG Guidelines, 2015 [PMID:25741868].

NM_017662.5(TRPM6):c.1101A>C (p.Gln367His)

Gene: TRPM6 (transient receptor potential cation channel subfamily M member 6; minus strand). Cytogenetic location: 9q21.13.
Variant type: single nucleotide variant.
Coding change: c.1101A>C on transcript NM_017662.5 (MANE Select); coding-DNA position 1101, A replaced by C.
Protein change: p.Gln367His; replaces glutamine 367 with histidine.
Molecular consequence: missense variant.
Genome position (GRCh38, 1-based): chr9:74,820,337, T>G on the plus strand (A>C on the coding strand, the complement: TRPM6 is on the minus strand). VCF-style: chr9-74820337-T-G. GRCh37 (hg19) VCF-style: chr9-77435253-T-G.
Other names: c.1086A>C, p.Gln362His (NM_001177310.2, NM_001177311.2); short protein forms Q362H, Q367H.
Identifiers: ClinVar variation 1033855 (VCV001033855.6), dbSNP rs143440493, ClinGen allele CA5084959.